The following is an entry in ClinVar:

NM_001040142.2(SCN2A):c.5836_5848del (p.Lys1946fs)

Gene: SCN2A (sodium voltage-gated channel alpha subunit 2; plus strand). Cytogenetic location: 2q24.3.
Variant type: Deletion.
Coding change: c.5836_5848del on transcript NM_001040142.2 (MANE Select); coding-DNA positions 5836 to 5848, 13 bases deleted (AAAGAAGATACTC).
Protein change: p.Lys1946fs; shifts the reading frame from lysine 1946.
Molecular consequence: frameshift variant.
Genome position (GRCh38, 1-based): chr2:165,389,642-165,389,654, AAAGAAGATACTC deleted; deleting any 13 consecutive bases within chr2:165,389,640-165,389,654 gives the same sequence; the c. name uses the placement nearest the transcript's 3' end. VCF-style (leftmost placement, unchanged base first): chr2-165389639-ATCAAAGAAGATAC-A. GRCh37 (hg19) VCF-style: chr2-166246149-ATCAAAGAAGATAC-A.
Other names: c.5836_5848del, p.Lys1946fs (NM_001040143.2, NM_001371246.1, NM_001371247.1 and 1 more transcripts); short protein forms K1946fs.
Identifiers: ClinVar variation 2581934 (VCV002581934.1), dbSNP rs2468160715, ClinGen allele CA2582342024.
Genomic context (GRCh38, chr2:165,389,639, plus strand): 5'-GTTAAAAAGGTATCAAGTATATACAAGAAAGACAAAGGCAAAGAATGTGATGGAACACCC[ATCAAAGAAGATAC>A]TCTCATTGATAAACTGAATGAGAATTCAACTCCAGAGAAAACCGATATGACGCCTTCCAC-3'

ClinVar aggregate classification (germline): Uncertain significance (1 of 4 stars; one submission).

Submission:

GeneDx
Classification: Uncertain significance. Last evaluated: 2023-03-24. Review status: criteria provided, single submitter. Criteria: GeneDx Variant Classification Process June 2021. Collection method: clinical testing. Allele origin: germline. Affected: yes.
Comment: Frameshift variant predicted to result in protein truncation as the last 60 amino acids are replaced with 4 different amino acids, although loss-of-function variants have not been reported downstream of this position in the protein; Not observed at significant frequency in large population cohorts (gnomAD); Has not been previously published as pathogenic or benign to our knowledge